The following is an entry in ClinVar:

NM_000492.4(CFTR):c.1438G>A (p.Gly480Ser)

Genes: CFTR (CF transmembrane conductance regulator; plus strand), CFTR-AS1 (CFTR antisense RNA 1; minus strand). Cytogenetic location: 7q31.2.
Variant type: single nucleotide variant.
Coding change: c.1438G>A on transcript NM_000492.4 (MANE Select); coding-DNA position 1438, G replaced by A.
Protein change: p.Gly480Ser; replaces glycine 480 with serine.
Molecular consequence: missense variant.
Genome position (GRCh38, 1-based): chr7:117,559,509, G>A. VCF-style: chr7-117559509-G-A. GRCh37 (hg19) VCF-style: chr7-117199563-G-A.
Other names: short protein forms G480S.
Identifiers: ClinVar variation 53254 (VCV000053254.21), dbSNP rs79282516, ClinGen allele CA326484.

ClinVar aggregate classification (germline): Conflicting classifications of pathogenicity. Review status: criteria provided, conflicting classifications (1 of 4 stars). 12 submissions from 11 submitters: Pathogenic (2); Likely pathogenic (2); Uncertain significance (5). 3 of the submissions do not count toward it. Last evaluated 2026-02-09.

Conditions:
CFTR-related disorder (CFTR-RD). Also called: CFTR-related disorders; CFTR-related condition. Identifiers: MedGen C5924204, MONDO:7770004.
Cystic fibrosis (CF). Also called: MUCOVISCIDOSIS. Identifiers: Orphanet 586, MedGen C0010674, MONDO:0009061, OMIM 219700. Disease mechanism: loss of function.

Allele frequency attached by ClinVar (database versions not stated): TOPMed 0.00001.

Submissions (12):

Women's Health and Genetics/Laboratory Corporation of America, LabCorp
Classification: Pathogenic for Cystic fibrosis. Last evaluated: 2026-02-09. Review status: criteria provided, single submitter. Criteria: LabCorp Variant Classification Summary - May 2015. Collection method: clinical testing. Allele origin: germline.
Comment: Variant summary: CFTR c.1438G>A (p.Gly480Ser) results in a non-conservative amino acid change in the encoded protein sequence. Algorithms developed to predict the effect of missense changes on protein structure and function all suggest that this variant is likely to be disruptive. The variant was absent in 251304 control chromosomes (gnomAD). c.1438G>A has been observed in individuals affected with Cystic Fibrosis with a pathogenic variant in trans (e.g. Cao_2015, Terliesner_2017). These data indicate that the variant may be associated with disease. Other variants affecting the same codon have been classified as pathogenic by our lab (c.1438G>T/p.Gly480Cys, c.1439G>A/p.Gly480Asp), supporting the critical relevance of codon 480 to CFTR protein function. At least one publication reports experimental evidence evaluating an impact on protein function. The most pronounced variant effect resulted in approximately 0.8% of normal chloride channel conductance relative to wild type (e.g., Bihler_2024). The following publications have been ascertained in the context of this evaluation (PMID: 20059485, 24958810, 26708955, 26730394, 38388235, 28245190). ClinVar contains an entry for this variant (Variation ID: 53254). Based on the evidence outlined above, the variant was classified as pathogenic.

Natera, Inc.
Classification: Likely pathogenic for CFTR-related disorders. Last evaluated: 2026-01-26. Review status: criteria provided, single submitter. Criteria: Natera Variant Classification Schema (03/2026). Collection method: clinical testing. Allele origin: germline.
Comment: The c.1438G>A variant in CFTR is a missense variant predicted to cause substitution of glycine to serine at amino acid 480. This variant is rare in the general population with a frequency below the threshold expected for the associated phenotype(s). This variant has been observed in one or more individuals affected with the associated recessive disease, as either homozygous or compound heterozygous with a second variant (PMID: 30922812, 28245190, 37547293). Functional studies show that this variant may disrupt protein function (PMID: 38388235). A different variant at the same position has been determined to be Pathogenic or Likely Pathogenic. Computational prediction algorithms indicate this variant is likely to affect gene or protein function. Given the available evidence, this variant is classified as Likely Pathogenic.

Labcorp Genetics (formerly Invitae), Labcorp
Classification: Uncertain significance for Cystic fibrosis. Last evaluated: 2025-05-19. Review status: criteria provided, single submitter. Criteria: Invitae Variant Classification Sherloc (09022015). Collection method: clinical testing. Allele origin: germline.
Comment: This sequence change replaces glycine, which is neutral and non-polar, with serine, which is neutral and polar, at codon 480 of the CFTR protein (p.Gly480Ser). This variant is not present in population databases (gnomAD no frequency). This missense change has been observed in individual(s) with clinical features of cystic fibrosis (PMID: 20059485, 24958810, 26708955, 26730394). ClinVar contains an entry for this variant (Variation ID: 53254). Invitae Evidence Modeling of protein sequence and biophysical properties (such as structural, functional, and spatial information, amino acid conservation, physicochemical variation, residue mobility, and thermodynamic stability) indicates that this missense variant is expected to disrupt CFTR protein function with a positive predictive value of 80%. This variant disrupts the p.Gly480 amino acid residue in CFTR. Other variant(s) that disrupt this residue have been determined to be pathogenic (PMID: 1376016, 7757078, 9150159, 26708955). This suggests that this residue is clinically significant, and that variants that disrupt this residue are likely to be disease-causing. In summary, the available evidence is currently insufficient to determine the role of this variant in disease. Therefore, it has been classified as a Variant of Uncertain Significance.

Johns Hopkins Genomics, Johns Hopkins University
Classification: Pathogenic for Cystic fibrosis. Last evaluated: 2025-01-23. Review status: criteria provided, single submitter. Criteria: ACMG Guidelines, 2015. Collection method: clinical testing. Allele origin: germline.
Comment: This CFTR missense variant has been identified in multiple individuals with features of cystic fibrosis. This variant is absent from a large population dataset but has been reported in ClinVar (Variation ID: 53254). Functional studies have demonstrated that this variant significantly decreases CFTR function in a cell line (0.8% of wild type control) and in human nasal epithelial cells (4.1% of wild type control). We consider CFTR c.1438G>A to be pathogenic.

Institute of Human Genetics, University of Leipzig Medical Center
Classification: Likely pathogenic for Cystic fibrosis. Last evaluated: 2022-09-05. Review status: criteria provided, single submitter. Criteria: ACMG Guidelines, 2015. Collection method: curation. Allele origin: unknown. Affected: yes. Observed: 1 variant allele.
Comment: The variant was classified in the context of a project re-classifying variants in the German Cystic Fibrosis Registry (Muko.e.V.). Criteria applied: PM2_SUP, PM3, PM5_STR, PP3, PP4

Genome-Nilou Lab
Classification: Uncertain significance for Cystic fibrosis. Last evaluated: 2021-09-05. Review status: criteria provided, single submitter. Criteria: ACMG Guidelines, 2015. Collection method: clinical testing. Allele origin: germline. Affected: no.

GeneDx
Classification: Uncertain significance. Last evaluated: 2021-02-25. Review status: criteria provided, single submitter. Criteria: GeneDx Variant Classification Process June 2021. Collection method: clinical testing. Allele origin: germline. Affected: yes.
Comment: Not observed in large population cohorts (Lek et al., 2016); In silico analysis supports that this missense variant has a deleterious effect on protein structure/function; Co-observed with a second CFTR variant, phase unknown, in an individual with cystic fibrosis (Cao 2015) and observed in an individual with congenital absence of the vas deferens (Sharma 2014); This variant is associated with the following publications: (PMID: 24958810, 29261177, 26730394)

Genome Diagnostics Laboratory, The Hospital for Sick Children
Classification: Uncertain significance for Cystic fibrosis. Last evaluated: 2020-03-18. Review status: criteria provided, single submitter. Criteria: ACMG Guidelines, 2015. Collection method: clinical testing. Allele origin: germline.

Ambry Genetics
Classification: Uncertain significance for Cystic fibrosis. Last evaluated: 2017-08-04. Review status: criteria provided, single submitter. Criteria: Ambry Variant Classification Scheme 2023. Collection method: clinical testing. Allele origin: germline.
Comment: The p.G480S variant (also known as c.1438G>A), located in coding exon 11 of the CFTR gene, results from a G to A substitution at nucleotide position 1438. The glycine at codon 480 is replaced by serine, an amino acid with similar properties. This variant was identified in one individual with congenital absence of the vas deferens (CAVD); another CFTR alteration was not identified (Sharma H, et al. Mol. Hum. Reprod. 2014 Sep; 20(9):827-35). This amino acid position is highly conserved in available vertebrate species. In addition, this alteration is predicted to be deleterious by in silico analysis. Based on available evidence to date, the clinical significance of this variant remains unclear.

Genome Diagnostics Laboratory, The Hospital for Sick Children
Classification: Uncertain significance for CFTR-related disorders. Last evaluated: 2020-03-18. Review status: no assertion criteria provided. Collection method: clinical testing. Allele origin: germline. Not counted in ClinVar's aggregate classification.

Counsyl
Classification: Uncertain significance for Cystic fibrosis. Last evaluated: 2018-01-12. Review status: no assertion criteria provided. Collection method: clinical testing. Allele origin: unknown. Not counted in ClinVar's aggregate classification.

ClinVar Staff, National Center for Biotechnology Information (NCBI)
No classification provided. Condition: CFTR-related disorders. Review status: no classification provided. Collection method: literature only. Allele origin: germline. Affected: yes. Not counted in ClinVar's aggregate classification.

Literature cited by the submitters: PubMed 20059485 (cited by 4 submitters); PubMed 24958810 (cited by 4 submitters); PubMed 26708955 (cited by 3 submitters); PubMed 38388235 (cited by 3 submitters); PubMed 26730394 (cited by Women's Health and Genetics/Laboratory Corporation of America, LabCorp and Labcorp Genetics (formerly Invitae), Labcorp); PubMed 28245190 (cited by Women's Health and Genetics/Laboratory Corporation of America, LabCorp and Natera, Inc.); PubMed 30922812 (cited by Natera, Inc.); PubMed 37547293 (cited by Natera, Inc.); PubMed 1376016 (cited by Labcorp Genetics (formerly Invitae), Labcorp); PubMed 7757078 (cited by Labcorp Genetics (formerly Invitae), Labcorp); PubMed 9150159 (cited by Labcorp Genetics (formerly Invitae), Labcorp); PubMed 39012815 (cited by Johns Hopkins Genomics, Johns Hopkins University); PubMed 39529847 (cited by Johns Hopkins Genomics, Johns Hopkins University).